The following is an entry in ClinVar:

NM_006080.3(SEMA3A):c.1718-10C>A

Gene: SEMA3A (semaphorin 3A; minus strand). Cytogenetic location: 7q21.11.
Variant type: single nucleotide variant.
Coding change: c.1718-10C>A on transcript NM_006080.3 (MANE Select); 10 bases into the intron before coding-DNA position 1718, C replaced by A.
Molecular consequence: intron variant.
Genome position (GRCh38, 1-based): chr7:83,963,357, G>T on the plus strand (C>A on the coding strand, the complement: SEMA3A is on the minus strand). VCF-style: chr7-83963357-G-T. GRCh37 (hg19) VCF-style: chr7-83592673-G-T.
Identifiers: ClinVar variation 4991560 (VCV004991560.1).

ClinVar aggregate classification (germline): Likely benign (1 of 4 stars; one submission).

Conditions:
SEMA3A-related disorder. Also called: SEMA3A-related condition.

gnomAD v4.1: 1 of 1,603,794 alleles (0.000062%); highest among the groups gnomAD compares: African/African-American, 0.0013%; no homozygotes.

Submission:

PreventionGenetics, part of Exact Sciences
Classification: Likely benign for SEMA3A-related condition. Last evaluated: 2026-06-09. Review status: criteria provided, single submitter. Criteria: ACMG Guidelines, 2015. Collection method: clinical testing. Allele origin: germline.
Comment: This variant is classified as likely benign based on ACMG/AMP sequence variant interpretation guidelines (Richards et al. 2015 PMID: 25741868, with internal and published modifications).